The following is an entry in ClinVar:

ClinVar aggregate classification (germline): Uncertain significance. Review status: criteria provided, multiple submitters, no conflicts (2 of 4 stars). 2 submissions from 2 submitters: Uncertain significance (2). Last evaluated 2025-10-21.

Allele frequency attached by ClinVar (database versions not stated): gnomAD 0.00001; ExAC 0.00002; gnomAD exomes 0.00003; TOPMed 0.00004.
gnomAD v4.1: 44 of 1,613,976 alleles (0.0027%); highest among the groups gnomAD compares: Admixed American, 0.02%; no homozygotes.

Submissions (2):

Labcorp Genetics (formerly Invitae), Labcorp
Classification: Uncertain significance. Last evaluated: 2025-10-21. Review status: criteria provided, single submitter. Criteria: Invitae Variant Classification Sherloc (09022015). Collection method: clinical testing. Allele origin: germline.
Comment: This sequence change replaces glycine, which is neutral and non-polar, with serine, which is neutral and polar, at codon 432 of the C8A protein (p.Gly432Ser). The frequency data for this variant in the population databases is considered unreliable, as metrics indicate poor data quality at this position in the gnomAD database. This variant has not been reported in the literature in individuals affected with C8A-related conditions. ClinVar contains an entry for this variant (Variation ID: 1432883). An algorithm developed to predict the effect of missense changes on protein structure and function outputs the following: PolyPhen-2: "Benign". The serine amino acid residue is found in multiple mammalian species, which suggests that this missense change does not adversely affect protein function. In summary, the available evidence is currently insufficient to determine the role of this variant in disease. Therefore, it has been classified as a Variant of Uncertain Significance.

Ambry Genetics
Classification: Uncertain significance. Last evaluated: 2022-12-06. Review status: criteria provided, single submitter. Criteria: Ambry Variant Classification Scheme 2023. Collection method: clinical testing. Allele origin: germline.

NM_000562.3(C8A):c.1294G>A (p.Gly432Ser)

Gene: C8A (complement C8 alpha chain; plus strand). Cytogenetic location: 1p32.2.
Variant type: single nucleotide variant.
Coding change: c.1294G>A on transcript NM_000562.3 (MANE Select); coding-DNA position 1294, G replaced by A.
Protein change: p.Gly432Ser; replaces glycine 432 with serine.
Molecular consequence: missense variant.
Genome position (GRCh38, 1-based): chr1:56,908,027, G>A. VCF-style: chr1-56908027-G-A. GRCh37 (hg19) VCF-style: chr1-57373700-G-A.
Other names: c.1294G>A (NM_000562.2); short protein forms G432S.
Identifiers: ClinVar variation 1432883 (VCV001432883.8), dbSNP rs781576042, ClinGen allele CA875321.